The following is an entry in ClinVar:

NM_198578.4(LRRK2):c.6953G>A (p.Gly2318Glu)

Gene: LRRK2 (leucine rich repeat kinase 2; plus strand). Cytogenetic location: 12q12.
Variant type: single nucleotide variant.
Coding change: c.6953G>A on transcript NM_198578.4 (MANE Select); coding-DNA position 6953, G replaced by A.
Protein change: p.Gly2318Glu; replaces glycine 2318 with glutamic acid.
Molecular consequence: missense variant.
Genome position (GRCh38, 1-based): chr12:40,359,369, G>A. VCF-style: chr12-40359369-G-A. GRCh37 (hg19) VCF-style: chr12-40753171-G-A.
Other names: short protein forms G2318E.
Identifiers: ClinVar variation 3540504 (VCV003540504.1).
Genomic context (GRCh38, chr12:40,359,369, plus strand): 5'-CTCCATTGATGTGTTTGAGTGAATCCACAAATTCAACGGAAAGAAATGTAATGTGGGGAG[G>A]ATGTGGCACAAAGATTTTCTCCTTTTCTAATGATTTCACCATTCAGAAACTCATTGAGAC-3'
Protein context (NP_940980.4, residues 2308-2328): NSTERNVMWG[Gly2318Glu]CGTKIFSFSN

ClinVar aggregate classification (germline): Uncertain significance (1 of 4 stars; one submission).

Conditions:
Inborn genetic diseases. Identifiers: MedGen C0950123, MeSH D030342.

gnomAD v4.1: 1 of 1,613,306 alleles (0.000062%); highest among the groups gnomAD compares: Non-Finnish European, 0.000085%; no homozygotes.

Submission:

Ambry Genetics
Classification: Uncertain significance for Inborn genetic diseases. Last evaluated: 2024-10-23. Review status: criteria provided, single submitter. Criteria: Ambry Variant Classification Scheme 2023. Collection method: clinical testing. Allele origin: germline.
Comment: The p.G2318E variant (also known as c.6953G>A), located in coding exon 47 of the LRRK2 gene, results from a G to A substitution at nucleotide position 6953. The glycine at codon 2318 is replaced by glutamic acid, an amino acid with similar properties. This amino acid position is conserved. In addition, the in silico prediction for this alteration is inconclusive. Based on the available evidence, the clinical significance of this variant remains unclear.